The following is an entry in ClinVar:

ClinVar aggregate classification (germline): Uncertain significance. Review status: criteria provided, multiple submitters, no conflicts (2 of 4 stars). 3 submissions from 3 submitters: Uncertain significance (3). Last evaluated 2026-02-10.

Conditions:
Hypertrophic cardiomyopathy. Also called: HYPERTROPHIC MYOCARDIOPATHY. Identifiers: Orphanet 217569, MedGen C0007194, MeSH D002312, MONDO:0005045, HP:0001639.
Cardiovascular phenotype. Identifiers: MedGen CN230736.
MYOZ2-related disorder. Also called: MYOZ2-related condition.

Allele frequency attached by ClinVar (database versions not stated): gnomAD exomes below 0.00001 and 0.00001; gnomAD 0.00001; TOPMed 0.00002.
gnomAD v4.1: 10 of 1,613,992 alleles (0.00062%); highest among the groups gnomAD compares: South Asian, 0.0022%; no homozygotes.

Submissions (3):

PreventionGenetics, part of Exact Sciences
Classification: Uncertain significance for MYOZ2-related condition. Last evaluated: 2026-02-10. Review status: criteria provided, single submitter. Criteria: ACMG Guidelines, 2015. Collection method: clinical testing. Allele origin: germline.
Comment: The MYOZ2 c.497T>C variant is predicted to result in the amino acid substitution p.Leu166Ser. To our knowledge, this variant has not been reported in the literature. This variant is reported in 0.0033% of alleles in individuals of South Asian descent in gnomAD. At this time, the clinical significance of this variant is uncertain due to the absence of conclusive functional and genetic evidence.

Labcorp Genetics (formerly Invitae), Labcorp
Classification: Uncertain significance for Hypertrophic cardiomyopathy. Last evaluated: 2026-01-26. Review status: criteria provided, single submitter. Criteria: Invitae Variant Classification Sherloc (09022015). Collection method: clinical testing. Allele origin: germline.
Comment: This sequence change replaces leucine, which is neutral and non-polar, with serine, which is neutral and polar, at codon 166 of the MYOZ2 protein (p.Leu166Ser). This variant is present in population databases (no rsID available, gnomAD 0.003%). This variant has not been reported in the literature in individuals affected with MYOZ2-related conditions. ClinVar contains an entry for this variant (Variation ID: 836170). Invitae Evidence Modeling of protein sequence and biophysical properties (such as structural, functional, and spatial information, amino acid conservation, physicochemical variation, residue mobility, and thermodynamic stability) indicates that this missense variant is expected to disrupt MYOZ2 protein function with a positive predictive value of 80%. In summary, the available evidence is currently insufficient to determine the role of this variant in disease. Therefore, it has been classified as a Variant of Uncertain Significance.

Ambry Genetics
Classification: Uncertain significance for Cardiovascular phenotype. Last evaluated: 2024-12-31. Review status: criteria provided, single submitter. Criteria: Ambry Variant Classification Scheme 2023. Collection method: clinical testing. Allele origin: germline.
Comment: The p.L166S variant (also known as c.497T>C), located in coding exon 4 of the MYOZ2 gene, results from a T to C substitution at nucleotide position 497. The leucine at codon 166 is replaced by serine, an amino acid with dissimilar properties. This amino acid position is conserved. In addition, the in silico prediction for this alteration is inconclusive. Since supporting evidence is limited at this time, the clinical significance of this alteration remains unclear.

NM_016599.5(MYOZ2):c.497T>C (p.Leu166Ser)

Gene: MYOZ2 (myozenin 2; plus strand). Cytogenetic location: 4q26.
Variant type: single nucleotide variant.
Coding change: c.497T>C on transcript NM_016599.5 (MANE Select); coding-DNA position 497, T replaced by C.
Protein change: p.Leu166Ser; replaces leucine 166 with serine.
Molecular consequence: missense variant.
Genome position (GRCh38, 1-based): chr4:119,164,331, T>C. VCF-style: chr4-119164331-T-C. GRCh37 (hg19) VCF-style: chr4-120085486-T-C.
Other names: short protein forms L166S.
Identifiers: ClinVar variation 836170 (VCV000836170.10), dbSNP rs1227160156, ClinGen allele CA358204331.